The following is an entry in ClinVar:

ClinVar aggregate classification (germline): Uncertain significance (1 of 4 stars; one submission).

Conditions:
Cholestanol storage disease (CTX). Also called: CEREBRAL CHOLESTERINOSIS; CTX: Cerebrotendinous xanthomatosis; Cerebrotendinous Xanthomatosis. Identifiers: Orphanet 909, MedGen C0238052, MONDO:0008948, OMIM 213700.

Submission:

Labcorp Genetics (formerly Invitae), Labcorp
Classification: Uncertain significance for Cholestanol storage disease. Last evaluated: 2022-08-10. Review status: criteria provided, single submitter. Criteria: Invitae Variant Classification Sherloc (09022015). Collection method: clinical testing. Allele origin: germline.
Comment: In summary, the available evidence is currently insufficient to determine the role of this variant in disease. Therefore, it has been classified as a Variant of Uncertain Significance. Advanced modeling of protein sequence and biophysical properties (such as structural, functional, and spatial information, amino acid conservation, physicochemical variation, residue mobility, and thermodynamic stability) performed at Invitae indicates that this missense variant is not expected to disrupt CYP27A1 protein function. This variant has not been reported in the literature in individuals affected with CYP27A1-related conditions. This variant is not present in population databases (gnomAD no frequency). This sequence change replaces alanine, which is neutral and non-polar, with proline, which is neutral and non-polar, at codon 512 of the CYP27A1 protein (p.Ala512Pro).

NM_000784.4(CYP27A1):c.1534G>C (p.Ala512Pro)

Gene: CYP27A1 (cytochrome P450 family 27 subfamily A member 1; plus strand). Cytogenetic location: 2q35.
Variant type: single nucleotide variant.
Coding change: c.1534G>C on transcript NM_000784.4 (MANE Select); coding-DNA position 1534, G replaced by C.
Protein change: p.Ala512Pro; replaces alanine 512 with proline.
Molecular consequence: missense variant.
Genome position (GRCh38, 1-based): chr2:218,814,968, G>C. VCF-style: chr2-218814968-G-C. GRCh37 (hg19) VCF-style: chr2-219679691-G-C.
Other names: short protein forms A512P.
Identifiers: ClinVar variation 1929226 (VCV001929226.3), dbSNP rs1943773997, ClinGen allele CA350596475.